The following is an entry in ClinVar:

ClinVar aggregate classification (germline): Conflicting classifications of pathogenicity. Review status: criteria provided, conflicting classifications (1 of 4 stars). 2 submissions from 2 submitters: Uncertain significance (1); Likely benign (1). Last evaluated 2026-10-21.

Allele frequency attached by ClinVar (database versions not stated): ExAC 0.00001; TOPMed 0.00001.
gnomAD v4.1: 10 of 1,614,198 alleles (0.00062%); highest among the groups gnomAD compares: Admixed American, 0.017%; no homozygotes.

Submissions (2):

GeneDx
Classification: Uncertain significance. Last evaluated: 2026-10-21. Review status: criteria provided, single submitter. Criteria: GeneDx Variant Classification Process June 2021. Collection method: clinical testing. Allele origin: germline.
Comment: In silico analysis suggests that this variant does not alter splicing; Has not been previously published as pathogenic or benign to our knowledge

Labcorp Genetics (formerly Invitae), Labcorp
Classification: Likely benign. Last evaluated: 2022-12-22. Review status: criteria provided, single submitter. Criteria: Invitae Variant Classification Sherloc (09022015). Collection method: clinical testing. Allele origin: germline.

NM_005422.4(TECTA):c.4578G>A (p.Gln1526=)

Genes: TBCEL-TECTA (TBCEL-TECTA readthrough; plus strand), TECTA (tectorin alpha; plus strand). Cytogenetic location: 11q23.3.
Variant type: single nucleotide variant.
Coding change: c.4578G>A on transcript NM_005422.4 (MANE Select); coding-DNA position 4578, G replaced by A.
Protein change: p.Gln1526=; no amino-acid change (glutamine 1526 retained).
Molecular consequence: synonymous variant.
Genome position (GRCh38, 1-based): chr11:121,158,113, G>A. VCF-style: chr11-121158113-G-A. GRCh37 (hg19) VCF-style: chr11-121028822-G-A.
Other names: c.5535G>A, p.Gln1845= (NM_001378761.1).
Identifiers: ClinVar variation 2499937 (VCV002499937.5), dbSNP rs745995567, ClinGen allele CA6327490.
Genomic context (GRCh38, chr11:121,158,113, plus strand): 5'-AGCCAACTGCGCCTTCGTGCTGTCCACCATCTGCCAGAAACTGCCCGACATCTCCTTCCA[G>A]CTTATCATCAACTTCGACAAGTGGTCGGCCCCCAACCTCACCATCATTTCGCCCGTCTAC-3'
Protein context (NP_005413.2, residues 1516-1536): ICQKLPDISF[Gln1526=]LIINFDKWSA